The following is an entry in ClinVar:

ClinVar aggregate classification (germline): Uncertain significance (1 of 4 stars; one submission).

Allele frequency attached by ClinVar (database versions not stated): ExAC 0.00001.
gnomAD v4.1: 1 of 1,614,184 alleles (0.000062%); highest among the groups gnomAD compares: Admixed American, 0.0017%; no homozygotes.

Submission:

Labcorp Genetics (formerly Invitae), Labcorp
Classification: Uncertain significance. Last evaluated: 2022-12-15. Review status: criteria provided, single submitter. Criteria: Invitae Variant Classification Sherloc (09022015). Collection method: clinical testing. Allele origin: germline.
Comment: This variant is present in population databases (rs762460240, gnomAD 0.003%). This sequence change falls in intron 91 of the COL7A1 gene. It does not directly change the encoded amino acid sequence of the COL7A1 protein. This variant has not been reported in the literature in individuals affected with COL7A1-related conditions. In summary, the available evidence is currently insufficient to determine the role of this variant in disease. Therefore, it has been classified as a Variant of Uncertain Significance. Algorithms developed to predict the effect of sequence changes on RNA splicing suggest that this variant may disrupt the consensus splice site.

NM_000094.4(COL7A1):c.7069-13T>A

Gene: COL7A1 (collagen type VII alpha 1 chain; minus strand). Cytogenetic location: 3p21.31.
Variant type: single nucleotide variant.
Coding change: c.7069-13T>A on transcript NM_000094.4 (MANE Select); 13 bases into the intron before coding-DNA position 7069, T replaced by A.
Molecular consequence: intron variant.
Genome position (GRCh38, 1-based): chr3:48,571,291, A>T on the plus strand (T>A on the coding strand, the complement: COL7A1 is on the minus strand). VCF-style: chr3-48571291-A-T. GRCh37 (hg19) VCF-style: chr3-48608724-A-T.
Identifiers: ClinVar variation 2821081 (VCV002821081.3), dbSNP rs762460240, ClinGen allele CA2378665.